The following is an entry in ClinVar:

ClinVar aggregate classification (germline): Pathogenic/Likely pathogenic. Review status: criteria provided, multiple submitters, no conflicts (2 of 4 stars). 7 submissions from 7 submitters: Pathogenic (3); Likely pathogenic (1). 3 of the submissions do not count toward it. Last evaluated 2025-09-27.

Conditions:
Migraine, familial hemiplegic, 1. Also called: MIGRAINE, FAMILIAL HEMIPLEGIC 1, WITH PROGRESSIVE CEREBELLAR ATAXIA. Identifiers: Orphanet 569, MedGen C1832884, MONDO:0020756, OMIM 141500, MONDO:0007714.
Episodic ataxia type 2 (EA2). Also called: CEREBELLAR ATAXIA, PAROXYSMAL, ACETAZOLAMIDE-RESPONSIVE; CEREBELLOPATHY, HEREDITARY PAROXYSMAL; EPISODIC ATAXIA, NYSTAGMUS-ASSOCIATED; ACETAZOLAMIDE-RESPONSIVE HEREDITARY PAROXYSMAL CEREBELLAR ATAXIA; ATAXIA, EPISODIC, WITH NYSTAGMUS; ATAXIA, FAMILIAL PAROXYSMAL. Identifiers: Orphanet 97, MedGen C1720416, MONDO:0007163, OMIM 108500.
Developmental and epileptic encephalopathy, 42 (DEE42A). Also called: DEVELOPMENTAL AND EPILEPTIC ENCEPHALOPATHY 42A; EPILEPTIC ENCEPHALOPATHY, EARLY INFANTILE, 42A; Epileptic encephalopathy, early infantile, 42. Identifiers: MedGen C4310716, MONDO:0014917, OMIM 617106.
Familial hemiplegic migraine. Identifiers: MedGen C0338484, MONDO:0000700.

gnomAD v4.1: 1 of 1,579,988 alleles (0.000063%); highest among the groups gnomAD compares: Non-Finnish European, 0.000086%; no homozygotes.

Submissions (7):

Labcorp Genetics (formerly Invitae), Labcorp
Classification: Pathogenic for Developmental and epileptic encephalopathy, 42; Episodic ataxia type 2. Last evaluated: 2025-09-27. Review status: criteria provided, single submitter. Criteria: Invitae Variant Classification Sherloc (09022015). Collection method: clinical testing. Allele origin: germline.
Comment: This sequence change replaces arginine, which is basic and polar, with glutamine, which is neutral and polar, at codon 192 of the CACNA1A protein (p.Arg192Gln). This variant is not present in population databases (gnomAD no frequency). This missense change has been observed in individuals with epileptic encephalopathy with cerebellar atrophy and Familial hemiplegic migraine (PMID: 8898206; internal data). ClinVar contains an entry for this variant (Variation ID: 8487). Invitae Evidence Modeling of protein sequence and biophysical properties (such as structural, functional, and spatial information, amino acid conservation, physicochemical variation, residue mobility, and thermodynamic stability) indicates that this missense variant is expected to disrupt CACNA1A protein function with a positive predictive value of 95%. Experimental studies have shown that this missense change affects CACNA1A function (PMID: 10024348, 19242091, 25716839). This variant disrupts the p.Arg192 amino acid residue in CACNA1A. Other variant(s) that disrupt this residue have been observed in individuals with CACNA1A-related conditions (internal data), which suggests that this may be a clinically significant amino acid residue. For these reasons, this variant has been classified as Pathogenic.

Mayo Clinic Laboratories, Mayo Clinic
Classification: Pathogenic. Last evaluated: 2025-06-04. Review status: criteria provided, single submitter. Criteria: ACMG Guidelines, 2015. Collection method: clinical testing. Allele origin: germline. Observed: 1 variant allele.
Comment: PP1, PP2, PP3, PM1, PM2_supporting, PS3

GeneDx
Classification: Pathogenic. Last evaluated: 2025-06-03. Review status: criteria provided, single submitter. Criteria: GeneDx Variant Classification Process June 2021. Collection method: clinical testing. Allele origin: germline. Affected: yes.
Comment: Published functional studies demonstrate that R192Q results in a gain of function effect on the calcium channel function (PMID: 15003170, 31260335); Not observed at significant frequency in large population cohorts (gnomAD); In silico analysis supports that this missense variant has a deleterious effect on protein structure/function; This variant is associated with the following publications: (PMID: 25481823, 24583041, 31260335, 23985897, 19242091, 22144569, 22956801, 10024348, 25716839, 9488686, 19104150, 20735819, 18581134, 22836594, 26208839, 30080864, 37326332, 15003170, 8898206)

Athena Diagnostics
Classification: Likely pathogenic. Last evaluated: 2024-05-07. Review status: criteria provided, single submitter. Criteria: Athena Diagnostics Criteria. Collection method: clinical testing. Allele origin: unknown.
Comment: This variant has not been reported in large, multi-ethnic general populations. This variant has been identified in at least one individual with familial hemiplegic migraine. This variant segregates with disease in at least one family. Assessment of experimental evidence suggests this variant results in abnormal protein function. (PMID: 10024348, 15003170, 19104150, 19242091) The variant is located in a region that is considered important for protein function and/or structure.

OMIM
Classification: Pathogenic for MIGRAINE, FAMILIAL HEMIPLEGIC, 1. Last evaluated: 1996-11-01. Review status: no assertion criteria provided. Collection method: literature only. Allele origin: germline. Not counted in ClinVar's aggregate classification.

GeneReviews
No classification provided. Condition: Familial hemiplegic migraine. Review status: no classification provided. Collection method: literature only. Allele origin: germline. Not counted in ClinVar's aggregate classification.
Comment: Hemiplegic attacks

UniProtKB/Swiss-Prot
No classification provided. Condition: Familial hemiplegic migraine type 1. Review status: no classification provided. Collection method: not provided. Allele origin: not provided. Not counted in ClinVar's aggregate classification.

Literature cited by the submitters: PubMed 8898206 (cited by 4 submitters); PubMed 10024348 (cited by 3 submitters); PubMed 19242091 (cited by Labcorp Genetics (formerly Invitae), Labcorp and Athena Diagnostics); PubMed 25716839 (cited by Labcorp Genetics (formerly Invitae), Labcorp); PubMed 15003170 (cited by Mayo Clinic Laboratories, Mayo Clinic and Athena Diagnostics); PubMed 37326332 (cited by Mayo Clinic Laboratories, Mayo Clinic and Athena Diagnostics); PubMed 9488686 (cited by Mayo Clinic Laboratories, Mayo Clinic and Athena Diagnostics); PubMed 30080864 (cited by Athena Diagnostics); PubMed 19104150 (cited by Athena Diagnostics); PubMed 10408532 (cited by GeneReviews); PubMed 20301562 (cited by GeneReviews).

NM_001127222.2(CACNA1A):c.575G>A (p.Arg192Gln)

Gene: CACNA1A (calcium voltage-gated channel subunit alpha1 A; minus strand). Cytogenetic location: 19p13.13.
Variant type: single nucleotide variant.
Coding change: c.575G>A on transcript NM_001127222.2 (MANE Select); coding-DNA position 575, G replaced by A.
Protein change: p.Arg192Gln; replaces arginine 192 with glutamine.
Molecular consequence: missense variant.
Genome position (GRCh38, 1-based): chr19:13,371,744, C>T on the plus strand (G>A on the coding strand, the complement: CACNA1A is on the minus strand). VCF-style: chr19-13371744-C-T. GRCh37 (hg19) VCF-style: chr19-13482558-C-T.
Other names: c.575G>A (NM_000068.2); c.575G>A, p.Arg192Gln (NM_000068.4, NM_001127221.2, NM_001174080.2 and 1 more transcripts); short protein forms R192Q.
Identifiers: ClinVar variation 8487 (VCV000008487.11), dbSNP rs121908211, ClinGen allele CA254415.